The following is an entry in ClinVar:

NM_001376.5(DYNC1H1):c.13198C>T (p.Arg4400Cys)

Gene: DYNC1H1 (dynein cytoplasmic 1 heavy chain 1; plus strand). Cytogenetic location: 14q32.31.
Variant type: single nucleotide variant.
Coding change: c.13198C>T on transcript NM_001376.5 (MANE Select); coding-DNA position 13198, C replaced by T.
Protein change: p.Arg4400Cys; replaces arginine 4400 with cysteine.
Molecular consequence: missense variant.
Genome position (GRCh38, 1-based): chr14:102,048,008, C>T. VCF-style: chr14-102048008-C-T. GRCh37 (hg19) VCF-style: chr14-102514345-C-T.
Other names: short protein forms R4400C.
Identifiers: ClinVar variation 1003715 (VCV001003715.8), dbSNP rs1455844874, ClinGen allele CA391046717.

ClinVar aggregate classification (germline): Uncertain significance (1 of 4 stars; one submission).

Conditions:
Charcot-Marie-Tooth disease axonal type 2O. Also called: CHARCOT-MARIE-TOOTH NEUROPATHY, AXONAL, TYPE 2O; CHARCOT-MARIE-TOOTH DISEASE, AXONAL, AUTOSOMAL DOMINANT, TYPE 2O; Charcot-Marie-Tooth disease, axonal, type 20; Charcot-Marie-Tooth Neuropathy Type 2O. Identifiers: Orphanet 284232, MedGen C3280220, MONDO:0013644, OMIM 614228.

Allele frequency attached by ClinVar (database versions not stated): gnomAD exomes below 0.00001.
gnomAD v4.1: 1 of 1,611,562 alleles (0.000062%); no homozygotes.

Submission:

Labcorp Genetics (formerly Invitae), Labcorp
Classification: Uncertain significance for Charcot-Marie-Tooth disease axonal type 2O. Last evaluated: 2022-07-05. Review status: criteria provided, single submitter. Criteria: Invitae Variant Classification Sherloc (09022015). Collection method: clinical testing. Allele origin: germline.
Comment: In summary, the available evidence is currently insufficient to determine the role of this variant in disease. Therefore, it has been classified as a Variant of Uncertain Significance. Algorithms developed to predict the effect of missense changes on protein structure and function (SIFT, PolyPhen-2, Align-GVGD) all suggest that this variant is likely to be disruptive. ClinVar contains an entry for this variant (Variation ID: 1003715). This variant has not been reported in the literature in individuals affected with DYNC1H1-related conditions. The frequency data for this variant in the population databases is considered unreliable, as metrics indicate poor data quality at this position in the gnomAD database. This sequence change replaces arginine, which is basic and polar, with cysteine, which is neutral and slightly polar, at codon 4400 of the DYNC1H1 protein (p.Arg4400Cys).